The following is an entry in ClinVar:

ClinVar aggregate classification (germline): Uncertain significance (1 of 4 stars; one submission).

Conditions:
Rubinstein-Taybi syndrome (RSTS). Identifiers: Orphanet 783, MedGen C0035934, MONDO:0019188.

Submission:

Labcorp Genetics (formerly Invitae), Labcorp
Classification: Uncertain significance for Rubinstein-Taybi syndrome. Last evaluated: 2023-11-17. Review status: criteria provided, single submitter. Criteria: Invitae Variant Classification Sherloc (09022015). Collection method: clinical testing. Allele origin: germline.
Comment: This sequence change replaces asparagine, which is neutral and polar, with lysine, which is basic and polar, at codon 2181 of the CREBBP protein (p.Asn2181Lys). This variant is not present in population databases (gnomAD no frequency). This variant has not been reported in the literature in individuals affected with CREBBP-related conditions. Advanced modeling of protein sequence and biophysical properties (such as structural, functional, and spatial information, amino acid conservation, physicochemical variation, residue mobility, and thermodynamic stability) has been performed at Invitae for this missense variant, however the output from this modeling did not meet the statistical confidence thresholds required to predict the impact of this variant on CREBBP protein function. In summary, the available evidence is currently insufficient to determine the role of this variant in disease. Therefore, it has been classified as a Variant of Uncertain Significance.

NM_004380.3(CREBBP):c.6543C>A (p.Asn2181Lys)

Gene: CREBBP (CREB binding lysine acetyltransferase; minus strand). Cytogenetic location: 16p13.3.
Variant type: single nucleotide variant.
Coding change: c.6543C>A on transcript NM_004380.3 (MANE Select); coding-DNA position 6543, C replaced by A.
Protein change: p.Asn2181Lys; replaces asparagine 2181 with lysine.
Molecular consequence: missense variant.
Genome position (GRCh38, 1-based): chr16:3,728,504, G>T on the plus strand (C>A on the coding strand, the complement: CREBBP is on the minus strand). VCF-style: chr16-3728504-G-T. GRCh37 (hg19) VCF-style: chr16-3778505-G-T.
Other names: c.6429C>A, p.Asn2143Lys (NM_001079846.1); short protein forms N2143K, N2181K.
Identifiers: ClinVar variation 2696927 (VCV002696927.3), dbSNP rs2548345071, ClinGen allele CA394552486.
Genomic context (GRCh38, chr16:3,728,504, plus strand): 5'-CTGCTGCTGCAGCAGCTGCCTCCGTAACATTTCTCGGTACTGTGGATTCATACTCGCCAT[G>T]TTGGGGTTGTGTCCTGGGTTCATGATGTTCAAGGCCTGGCCCTGGGGGTTCAGGCCTCCC-3'
Protein context (NP_004371.2, residues 2171-2191): LNIMNPGHNP[Asn2181Lys]MASMNPQYRE